The following is an entry in ClinVar:

NM_201384.3(PLEC):c.7514G>A (p.Arg2505Gln)

Gene: PLEC (plectin; minus strand). Cytogenetic location: 8q24.3.
Variant type: single nucleotide variant.
Coding change: c.7514G>A on transcript NM_201384.3 (MANE Select); coding-DNA position 7514, G replaced by A.
Protein change: p.Arg2505Gln; replaces arginine 2505 with glutamine.
Molecular consequence: missense variant.
Genome position (GRCh38, 1-based): chr8:143,922,307, C>T on the plus strand (G>A on the coding strand, the complement: PLEC is on the minus strand). VCF-style: chr8-143922307-C-T. GRCh37 (hg19) VCF-style: chr8-144996475-C-T.
Other names: c.7595G>A, p.Arg2532Gln (NM_000445.5); c.7472G>A, p.Arg2491Gln (NM_201378.4); c.7448G>A, p.Arg2483Gln (NM_201379.3); c.7925G>A, p.Arg2642Gln (NM_201380.4); c.7418G>A, p.Arg2473Gln (NM_201381.3); c.7514G>A, p.Arg2505Gln (NM_201382.4); c.7526G>A, p.Arg2509Gln (NM_201383.3); short protein forms R2509Q, R2483Q, R2505Q, R2532Q, R2473Q, R2491Q, R2642Q.
Identifiers: ClinVar variation 284799 (VCV000284799.13), dbSNP rs782664854, ClinGen allele CA4925598.

ClinVar aggregate classification (germline): Uncertain significance. Review status: criteria provided, multiple submitters, no conflicts (2 of 4 stars). 4 submissions from 4 submitters: Uncertain significance (3). 1 of the submissions does not count toward it. Last evaluated 2025-10-03.

Conditions:
Autosomal recessive limb-girdle muscular dystrophy type 2Q (LGMDR17). Also called: MUSCULAR DYSTROPHY, LIMB-GIRDLE, AUTOSOMAL RECESSIVE 17. Identifiers: Orphanet 254361, MedGen C3150989, MONDO:0013390, OMIM 613723.
Epidermolysis bullosa simplex with nail dystrophy (EBS5D). Identifiers: MedGen C4225309, MONDO:0014661, OMIM 616487.
Epidermolysis bullosa simplex 5C, with pyloric atresia (EBS5C). Also called: PLEC1-Related Epidermolysis Bullosa with Pyloric Atresia; PLEC-Related Epidermolysis Bullosa with Pyloric Atresia; Epidermolysis bullosa simplex with pyloric atresia. Identifiers: Orphanet 158684, MedGen C2677349, MONDO:0012807, OMIM 612138.
Epidermolysis bullosa simplex, Ogna type (EBS5A). Also called: Pidermolysis bullosa simplex 5A, Ogna type; EPIDERMOLYSIS BULLOSA SIMPLEX 5A, OGNA TYPE. Identifiers: Orphanet 79401, MedGen C0432317, MONDO:0007555, OMIM 131950.
Epidermolysis bullosa simplex 5B, with muscular dystrophy (EBS5B). Also called: Epidermolysis bullosa simplex with muscular dystrophy; EPIDERMOLYSIS BULLOSA SIMPLEX AND LIMB-GIRDLE MUSCULAR DYSTROPHY. Identifiers: Orphanet 257, MedGen C2931072, MONDO:0009181, OMIM 226670.
PLEC-related disorder. Also called: PLEC-related disorders; PLEC-related condition.

Allele frequency attached by ClinVar (database versions not stated): ExAC 0.00001; TOPMed 0.00002; gnomAD 0.00003; gnomAD exomes 0.00003 and 0.00004.
gnomAD v4.1: 44 of 1,607,622 alleles (0.0027%); highest among the groups gnomAD compares: South Asian, 0.0077%; no homozygotes.

Submissions (4):

Labcorp Genetics (formerly Invitae), Labcorp
Classification: Uncertain significance for Autosomal recessive limb-girdle muscular dystrophy type 2Q; Epidermolysis bullosa simplex, Ogna type; Epidermolysis bullosa simplex with nail dystrophy; Epidermolysis bullosa simplex 5C, with pyloric atresia; Epidermolysis bullosa simplex 5B, with muscular dystrophy. Last evaluated: 2025-10-03. Review status: criteria provided, single submitter. Criteria: Invitae Variant Classification Sherloc (09022015). Collection method: clinical testing. Allele origin: germline.
Comment: This sequence change replaces arginine, which is basic and polar, with glutamine, which is neutral and polar, at codon 2532 of the PLEC protein (p.Arg2532Gln). This variant is present in population databases (rs782664854, gnomAD 0.01%). This variant has not been reported in the literature in individuals affected with PLEC-related conditions. ClinVar contains an entry for this variant (Variation ID: 284799). Invitae Evidence Modeling of protein sequence and biophysical properties (such as structural, functional, and spatial information, amino acid conservation, physicochemical variation, residue mobility, and thermodynamic stability) indicates that this missense variant is not expected to disrupt PLEC protein function with a negative predictive value of 80%. In summary, the available evidence is currently insufficient to determine the role of this variant in disease. Therefore, it has been classified as a Variant of Uncertain Significance.

Neuberg Centre For Genomic Medicine, NCGM
Classification: Uncertain significance for Autosomal recessive limb-girdle muscular dystrophy type 2Q. Last evaluated: 2023-05-20. Review status: criteria provided, single submitter. Criteria: ACMG Guidelines, 2015. Collection method: clinical testing. Allele origin: germline. Inheritance: Autosomal recessive inheritance. Affected: yes.
Comment: The observed missense c.7514G>A(p.Arg2505Gln) variant in PLEC gene has not been reported previously as a pathogenic variant nor a benign variant, to our knowledge. The p.Arg2505Gln variant has been reported with allele frequency of 0.004% in gnomAD Exomes. This variant has been submitted to the ClinVar database as Uncertain Significance (multiple submissions). Computational evidences (Polyphen - Possibly damaging, SIFT - Damaging and MutationTaster - Polymorphism) predict conflicting evidence on protein structure and function for this variant. The amino acid change p.Arg2505Gln in PLEC is predicted as conserved by GERP++ and PhyloP across 100 vertebrates. The amino acid Arg at position 2505 is changed to a Gln changing protein sequence and it might alter its composition and physico-chemical properties. For these reasons, this variant has been classified as a Variant of Uncertain Significance (VUS).

Eurofins Ntd Llc (ga)
Classification: Uncertain significance. Last evaluated: 2018-07-13. Review status: criteria provided, single submitter. Criteria: EGL ClinVar v180209 classification definitions. Collection method: clinical testing. Allele origin: germline. Observed: 3 variant alleles, 3 heterozygotes.

PreventionGenetics, part of Exact Sciences
Classification: Uncertain significance for PLEC-related condition. Last evaluated: 2024-05-06. Review status: no assertion criteria provided. Collection method: clinical testing. Allele origin: germline. Not counted in ClinVar's aggregate classification.
Comment: The PLEC c.7595G>A variant is predicted to result in the amino acid substitution p.Arg2532Gln. To our knowledge, this variant has not been reported in the literature. This variant is reported in 0.013% of alleles in individuals of South Asian descent in gnomAD. At this time, the clinical significance of this variant is uncertain due to the absence of conclusive functional and genetic evidence.